The following is an entry in ClinVar:

ClinVar aggregate classification (germline): Uncertain significance (1 of 4 stars; one submission).

Conditions:
Nephronophthisis 18 (NPHP18). Identifiers: Orphanet 655, MedGen C3890591, MONDO:0014374, OMIM 615862.

gnomAD v4.1: 2 of 1,613,924 alleles (0.00012%); highest among the groups gnomAD compares: Admixed American, 0.0033%; no homozygotes.

Submission:

Labcorp Genetics (formerly Invitae), Labcorp
Classification: Uncertain significance for Nephronophthisis 18. Last evaluated: 2019-03-26. Review status: criteria provided, single submitter. Criteria: Invitae Variant Classification Sherloc (09022015). Collection method: clinical testing. Allele origin: germline.
Comment: In summary, the available evidence is currently insufficient to determine the role of this variant in disease. Therefore, it has been classified as a Variant of Uncertain Significance. Algorithms developed to predict the effect of missense changes on protein structure and function output the following: SIFT: "Deleterious"; PolyPhen-2: "Benign"; Align-GVGD: "Class C45". The glycine amino acid residue is found in multiple mammalian species, suggesting that this missense change does not adversely affect protein function. These predictions have not been confirmed by published functional studies and their clinical significance is uncertain. This variant has not been reported in the literature in individuals with CEP83-related conditions. This sequence change replaces arginine with glycine at codon 215 of the CEP83 protein (p.Arg215Gly). The arginine residue is highly conserved and there is a moderate physicochemical difference between arginine and glycine. This variant is present in population databases (rs750092874, ExAC 0.009%).

NM_016122.3(CEP83):c.643C>G (p.Arg215Gly)

Gene: CEP83 (centrosomal protein 83; minus strand). Cytogenetic location: 12q22.
Variant type: single nucleotide variant.
Coding change: c.643C>G on transcript NM_016122.3 (MANE Select); coding-DNA position 643, C replaced by G.
Protein change: p.Arg215Gly; replaces arginine 215 with glycine.
Molecular consequence: missense variant. On other transcripts: non-coding transcript variant (3).
Genome position (GRCh38, 1-based): chr12:94,378,949, G>C on the plus strand (C>G on the coding strand, the complement: CEP83 is on the minus strand). VCF-style: chr12-94378949-G-C. GRCh37 (hg19) VCF-style: chr12-94772725-G-C.
Other names: c.643C>G, p.Arg215Gly (NM_001042399.2, NM_001346457.2, NM_001346460.2 and 3 more transcripts); c.331C>G, p.Arg111Gly (NM_001346458.2, NM_001346459.2, NM_001346462.2 and 2 more transcripts); c.418C>G, p.Arg140Gly (NM_001368041.1); c.106C>G, p.Arg36Gly (NM_001368042.1); short protein forms R111G, R140G, R215G, R36G.
Identifiers: ClinVar variation 848104 (VCV000848104.8), dbSNP rs750092874, ClinGen allele CA6721873.